The following is an entry in ClinVar:

NM_001267550.2(TTN):c.47573-131_48054delinsTTTAGAACTTTA

Genes: TTN (titin; minus strand), TTN-AS1 (TTN antisense RNA 1; plus strand). Cytogenetic location: 2q31.2.
Variant type: Indel.
Coding change: c.47573-131_48054delinsTTTAGAACTTTA on transcript NM_001267550.2 (MANE Select); 131 bases into the intron before coding-DNA position 47573 through coding-DNA position 48054, the reference bases replaced by TTTAGAACTTTA.
Molecular consequence: splice acceptor variant, splice donor variant.
Genome position (GRCh38, 1-based): chr2:178,616,835-178,617,643, 809 bases replaced. GRCh37 (hg19): chr2:179,481,562-179,482,370.
Other names: c.20378-131_20859delinsTTTAGAACTTTA (NM_003319.4); c.20954-131_21435delinsTTTAGAACTTTA (NM_133437.4); c.20753-131_21234delinsTTTAGAACTTTA (NM_133432.3); c.39869-131_40350delinsTTTAGAACTTTA (NM_133378.4); c.42650-131_43131delinsTTTAGAACTTTA (NM_001256850.1).
Identifiers: ClinVar variation 4786943 (VCV004786943.1).

ClinVar aggregate classification (germline): Likely pathogenic (1 of 4 stars; one submission).

Conditions:
Autosomal recessive limb-girdle muscular dystrophy type 2J (LGMDR10). Also called: Limb-girdle muscular dystrophy, type 2J; MUSCULAR DYSTROPHY, LIMB-GIRDLE, AUTOSOMAL RECESSIVE 10. Identifiers: Orphanet 140922, MedGen C1837342, MONDO:0012127, OMIM 608807.
Dilated cardiomyopathy 1G (CMD1G). Identifiers: Orphanet 154, MedGen C1858763, MONDO:0011400, OMIM 604145.

Submission:

Labcorp Genetics (formerly Invitae), Labcorp
Classification: Likely pathogenic for Dilated cardiomyopathy 1G; Autosomal recessive limb-girdle muscular dystrophy type 2J. Last evaluated: 2025-12-08. Review status: criteria provided, single submitter. Criteria: Invitae Variant Classification Sherloc (09022015). Collection method: clinical testing. Allele origin: germline.
Comment: This variant results in the deletion of exons 254-255 and part of exon 256 (c.47573-131_48054delinsTTTAGAACTTTA) of the TTN gene. It is expected to disrupt RNA splicing and likely results in a truncated or disrupted TTN protein. This variant is not present in population databases (gnomAD no frequency). This variant has not been reported in the literature in individuals affected with TTN-related conditions. This variant is located in the A band of TTN (PMID: 25589632). Truncating variants in this region are significantly overrepresented in patients affected with dilated cardiomyopathy (PMID: 25589632). Truncating variants in this region have also been reported in individuals affected with autosomal recessive centronuclear myopathy (PMID: 23975875). In summary, the currently available evidence indicates that the variant is pathogenic, but additional data are needed to prove that conclusively. Therefore, this variant has been classified as Likely Pathogenic.

Literature cited by the submitters: PubMed 25589632; PubMed 23975875.